The following is an entry in ClinVar:

NM_144658.4(DOCK11):c.2696T>C (p.Ile899Thr)

Gene: DOCK11 (dedicator of cytokinesis 11; plus strand). Cytogenetic location: Xq24.
Variant type: single nucleotide variant.
Coding change: c.2696T>C on transcript NM_144658.4 (MANE Select); coding-DNA position 2696, T replaced by C.
Protein change: p.Ile899Thr; replaces isoleucine 899 with threonine.
Molecular consequence: missense variant.
Genome position (GRCh38, 1-based): chrX:118,608,086, T>C. VCF-style: chrX-118608086-T-C. GRCh37 (hg19) VCF-style: chrX-117742049-T-C.
Other names: short protein forms I899T.
Identifiers: ClinVar variation 4082103 (VCV004082103.1).
Genomic context (GRCh38, chrX:118,608,086, plus strand): 5'-AATTCATTATAGCATGACATGCTGACTCTTGTGAATGTCGTTTCAGGGTTCTCTTACATA[T>C]TGTATCAAAGTGCCATGAAGAAGGCTTGGATAGTTATCTAAGATCATTCATAAAGGTTTG-3'
Protein context (NP_653259.3, residues 889-909): PINCTMVLLH[Ile899Thr]VSKCHEEGLD

ClinVar aggregate classification (germline): Uncertain significance (1 of 4 stars; one submission).

Conditions:
Autoinflammatory disease, multisystem, with immune dysregulation, X-linked (ADMIDX). Identifiers: MedGen C5829577, MONDO:0957494, OMIM 301109.

Submission:

Kasturba Medical College, Manipal, Kasturba Medical College, Manipal, Manipal Academy of Higher Education, Manipal, India
Classification: Uncertain significance for Autoinflammatory disease, multisystem, with immune dysregulation, X-linked. Review status: criteria provided, single submitter. Criteria: ACMG Guidelines, 2015. Collection method: research. Allele origin: maternal. Inheritance: X-linked recessive inheritance. Affected: yes. Observed: 1 hemizygote.
Comment: This variant is not observed in gnomAD population database and our in-house database of 3129 exomes in hemizygous state.